The following is an entry in ClinVar:

NM_000283.4(PDE6B):c.756del (p.Asp252fs)

Genes: PDE6B (phosphodiesterase 6B; plus strand), PDE6B-AS1 (PDE6B antisense RNA 1; minus strand). Cytogenetic location: 4p16.3.
Variant type: Deletion.
Coding change: c.756del on transcript NM_000283.4 (MANE Select); coding-DNA position 756, one base deleted (C; older notation c.756delC).
Protein change: p.Asp252fs; shifts the reading frame from aspartic acid 252.
Molecular consequence: frameshift variant. On other transcripts: 5 prime UTR variant (5).
Genome position (GRCh38, 1-based): chr4:653,896, C deleted. VCF-style (leftmost placement, unchanged base first): chr4-653895-AC-A. GRCh37 (hg19) VCF-style: chr4-647684-AC-A.
Other names: c.756del, p.Asp252fs (NM_001145291.2); c.-82del (NM_001145292.2, NM_001350154.3, NM_001379246.1 and 1 more transcripts); c.-285del (NM_001350155.3); short protein forms D252fs.
Identifiers: ClinVar variation 1074503 (VCV001074503.9), dbSNP rs1360639709, ClinGen allele CA549263281.

ClinVar aggregate classification (germline): Pathogenic/Likely pathogenic. Review status: criteria provided, multiple submitters, no conflicts (2 of 4 stars). 2 submissions from 2 submitters: Pathogenic (1); Likely pathogenic (1). Last evaluated 2022-09-08.

Conditions:
PDE6B-related disorder. Also called: PDE6B-related disorders; PDE6B-related disease; PDE6B-related condition.

Allele frequency attached by ClinVar (database versions not stated): gnomAD exomes below 0.00001; gnomAD 0.00001; TOPMed 0.00002.

Submissions (2):

Blueprint Genetics
Classification: Likely pathogenic for PDE6B-related disorders. Last evaluated: 2022-09-08. Review status: criteria provided, single submitter. Criteria: ACMG Guidelines, 2015. Collection method: clinical testing. Allele origin: germline. Affected: yes. Observed: 1 variant allele.

Labcorp Genetics (formerly Invitae), Labcorp
Classification: Pathogenic. Last evaluated: 2021-09-10. Review status: criteria provided, single submitter. Criteria: Invitae Variant Classification Sherloc (09022015). Collection method: clinical testing. Allele origin: germline.
Comment: For these reasons, this variant has been classified as Pathogenic. This variant has not been reported in the literature in individuals affected with PDE6B-related conditions. This variant is not present in population databases (ExAC no frequency). This sequence change creates a premature translational stop signal (p.Asp252Glufs*29) in the PDE6B gene. It is expected to result in an absent or disrupted protein product. Loss-of-function variants in PDE6B are known to be pathogenic (PMID: 8394174, 8595886, 22334370).

Literature cited by the submitters: PubMed 8394174 (cited by Labcorp Genetics (formerly Invitae), Labcorp); PubMed 8595886 (cited by Labcorp Genetics (formerly Invitae), Labcorp); PubMed 22334370 (cited by Labcorp Genetics (formerly Invitae), Labcorp).